The following is an entry in ClinVar:

NM_001851.6(COL9A1):c.929C>T (p.Pro310Leu)

Gene: COL9A1 (collagen type IX alpha 1 chain; minus strand). Cytogenetic location: 6q13.
Variant type: single nucleotide variant.
Coding change: c.929C>T on transcript NM_001851.6 (MANE Select); coding-DNA position 929, C replaced by T.
Protein change: p.Pro310Leu; replaces proline 310 with leucine.
Molecular consequence: missense variant. On other transcripts: non-coding transcript variant (1).
Genome position (GRCh38, 1-based): chr6:70,280,858, G>A on the plus strand (C>T on the coding strand, the complement: COL9A1 is on the minus strand). VCF-style: chr6-70280858-G-A. GRCh37 (hg19) VCF-style: chr6-70990561-G-A.
Other names: c.200C>T, p.Pro67Leu (NM_001377289.1, NM_001377290.1, NM_078485.4); c.929C>T, p.Pro310Leu (NM_001377291.1); short protein forms P310L, P67L.
Identifiers: ClinVar variation 1357754 (VCV001357754.8), dbSNP rs1159414513, ClinGen allele CA364665786.

ClinVar aggregate classification (germline): Uncertain significance (1 of 4 stars; one submission).

Submission:

Labcorp Genetics (formerly Invitae), Labcorp
Classification: Uncertain significance. Last evaluated: 2021-05-31. Review status: criteria provided, single submitter. Criteria: Invitae Variant Classification Sherloc (09022015). Collection method: clinical testing. Allele origin: germline.
Comment: In summary, the available evidence is currently insufficient to determine the role of this variant in disease. Therefore, it has been classified as a Variant of Uncertain Significance. Advanced modeling of protein sequence and biophysical properties (such as structural, functional, and spatial information, amino acid conservation, physicochemical variation, residue mobility, and thermodynamic stability) performed at Invitae indicates that this missense variant is not expected to disrupt COL9A1 protein function. This variant has not been reported in the literature in individuals with COL9A1-related conditions. This variant is not present in population databases (ExAC no frequency). This sequence change replaces proline with leucine at codon 310 of the COL9A1 protein (p.Pro310Leu). The proline residue is moderately conserved and there is a moderate physicochemical difference between proline and leucine.